The following is an entry in ClinVar:

NM_000089.4(COL1A2):c.901G>A (p.Gly301Arg)

Gene: COL1A2 (collagen type I alpha 2 chain; plus strand). Cytogenetic location: 7q21.3.
Variant type: single nucleotide variant.
Coding change: c.901G>A on transcript NM_000089.4 (MANE Select); coding-DNA position 901, G replaced by A.
Protein change: p.Gly301Arg; replaces glycine 301 with arginine.
Molecular consequence: missense variant.
Genome position (GRCh38, 1-based): chr7:94,409,573, G>A. VCF-style: chr7-94409573-G-A. GRCh37 (hg19) VCF-style: chr7-94038885-G-A.
Other names: short protein forms G301R.
Identifiers: ClinVar variation 1456408 (VCV001456408.6), dbSNP rs2115893133, ClinGen allele CA368220746.
Genomic context (GRCh38, chr7:94,409,573, plus strand): 5'-ACCGAAATATTCCAATTAACTGATATCCTTCTCCTTTCCTTTTCCTCATAGGGTAATCCT[G>A]GAGCAAACGGCCTTACTGGTGCCAAGGGTGCTGCTGTGAGTATACCTGCGTAGCTAAAAT-3'
Protein context (NP_000080.2, residues 291-311): SGPVGPPGNP[Gly301Arg]ANGLTGAKGA

ClinVar aggregate classification (germline): Pathogenic (1 of 4 stars; one submission).

Conditions:
Ehlers-Danlos syndrome, classic type, 1 (EDSCL1). Also called: EHLERS-DANLOS SYNDROME, GRAVIS TYPE; EHLERS-DANLOS SYNDROME, SEVERE CLASSIC TYPE; Ehlers-Danlos syndrome, type 1; Ehlers-Danlos Syndrome, Classic Type, COL5A1-Related; EDS I. Identifiers: MedGen C0268335, MONDO:0019567, OMIM 130000.
Osteogenesis imperfecta type I (OI1). Also called: OI, TYPE I; OSTEOGENESIS IMPERFECTA TARDA; OSTEOGENESIS IMPERFECTA WITH BLUE SCLERAE; Osteogenesis imperfecta type 1; Lobstein's Disease; Lobstein disease. Identifiers: Orphanet 216796, Orphanet 666, MedGen C0023931, MONDO:0008146, OMIM 166200. Disease mechanism: loss of function.

Submission:

Labcorp Genetics (formerly Invitae), Labcorp
Classification: Pathogenic for Osteogenesis imperfecta type I; Ehlers-Danlos syndrome, classic type, 1. Last evaluated: 2025-11-19. Review status: criteria provided, single submitter. Criteria: Invitae Variant Classification Sherloc (09022015). Collection method: clinical testing. Allele origin: germline.
Comment: This sequence change replaces glycine, which is neutral and non-polar, with arginine, which is basic and polar, at codon 301 of the COL1A2 protein (p.Gly301Arg). This variant is not present in population databases (gnomAD no frequency). This missense change has been observed in individual(s) with autosomal dominant osteogenesis imperfecta (PMID: 37810882; internal data). In at least one individual the variant was observed to be de novo. ClinVar contains an entry for this variant (Variation ID: 1456408). Invitae Evidence Modeling of protein sequence and biophysical properties (such as structural, functional, and spatial information, amino acid conservation, physicochemical variation, residue mobility, and thermodynamic stability) indicates that this missense variant is expected to disrupt COL1A2 protein function with a positive predictive value of 95%. This variant disrupts the triple helix domain of COL1A2. Glycine residues within the Gly-Xaa-Yaa repeats of the triple helix domain are required for the structure and stability of fibrillar collagens (PMID: 7695699, 8218237, 19344236). In COL1A2, variants affecting these glycine residues are significantly enriched in individuals with disease (PMID: 9016532, 17078022) compared to the general population (ExAC). For these reasons, this variant has been classified as Pathogenic.

Literature cited by the submitters: PubMed 37810882; PubMed 7695699; PubMed 8218237; PubMed 19344236; PubMed 9016532; PubMed 17078022.